The following is an entry in ClinVar:

ClinVar aggregate classification (germline): Uncertain significance (1 of 4 stars; one submission).

Conditions:
Gastrointestinal stromal tumor. Also called: Gastrointestinal stromal tumor, somatic; Gastrointestinal stroma tumor. Identifiers: Orphanet 44890, MedGen C0238198, MeSH D046152, MONDO:0011719, OMIM 606764, HP:0100723.

Submission:

Labcorp Genetics (formerly Invitae), Labcorp
Classification: Uncertain significance for Gastrointestinal stromal tumor. Last evaluated: 2024-05-16. Review status: criteria provided, single submitter. Criteria: Invitae Variant Classification Sherloc (09022015). Collection method: clinical testing. Allele origin: germline.
Comment: This sequence change replaces valine, which is neutral and non-polar, with alanine, which is neutral and non-polar, at codon 815 of the PDGFRA protein (p.Val815Ala). This variant is not present in population databases (gnomAD no frequency). This variant has not been reported in the literature in individuals affected with PDGFRA-related conditions. Advanced modeling of protein sequence and biophysical properties (such as structural, functional, and spatial information, amino acid conservation, physicochemical variation, residue mobility, and thermodynamic stability) has been performed at Invitae for this missense variant, however the output from this modeling did not meet the statistical confidence thresholds required to predict the impact of this variant on PDGFRA protein function. In summary, the available evidence is currently insufficient to determine the role of this variant in disease. Therefore, it has been classified as a Variant of Uncertain Significance.

NM_006206.6(PDGFRA):c.2444T>C (p.Val815Ala)

Gene: PDGFRA (platelet derived growth factor receptor alpha; plus strand). Cytogenetic location: 4q12.
Variant type: single nucleotide variant.
Coding change: c.2444T>C on transcript NM_006206.6 (MANE Select); coding-DNA position 2444, T replaced by C.
Protein change: p.Val815Ala; replaces valine 815 with alanine.
Molecular consequence: missense variant.
Genome position (GRCh38, 1-based): chr4:54,285,845, T>C. VCF-style: chr4-54285845-T-C. GRCh37 (hg19) VCF-style: chr4-55152012-T-C.
Other names: c.2519T>C, p.Val840Ala (NM_001347828.2); c.2444T>C, p.Val815Ala (NM_001347829.2); c.2483T>C, p.Val828Ala (NM_001347830.2); short protein forms V828A, V840A, V815A.
Identifiers: ClinVar variation 3647637 (VCV003647637.2).